The following is an entry in ClinVar:

ClinVar aggregate classification (germline): Uncertain significance (1 of 4 stars; one submission).

Conditions:
Autosomal dominant nonsyndromic hearing loss 56. Also called: Deafness, autosomal dominant 56. Identifiers: Orphanet 90635, MedGen C3810170, MONDO:0014283, OMIM 615629.

Allele frequency attached by ClinVar (database versions not stated): gnomAD 0.00001; ExAC 0.00002.
gnomAD v4.1: 19 of 1,614,108 alleles (0.0012%); highest among the groups gnomAD compares: Middle Eastern, 0.049%; no homozygotes.

Submission:

Baylor Genetics
Classification: Uncertain significance for Autosomal dominant nonsyndromic hearing loss 56. Last evaluated: 2019-08-23. Review status: criteria provided, single submitter. Criteria: ACMG Guidelines, 2015. Collection method: clinical testing. Allele origin: unknown. Affected: yes.
Comment: This variant was determined to be of uncertain significance according to ACMG Guidelines, 2015 [PMID:25741868].

NM_002160.4(TNC):c.1580G>C (p.Cys527Ser)

Gene: TNC (tenascin C; minus strand). Cytogenetic location: 9q33.1.
Variant type: single nucleotide variant.
Coding change: c.1580G>C on transcript NM_002160.4 (MANE Select); coding-DNA position 1580, G replaced by C.
Protein change: p.Cys527Ser; replaces cysteine 527 with serine.
Molecular consequence: missense variant.
Genome position (GRCh38, 1-based): chr9:115,086,151, C>G on the plus strand (G>C on the coding strand, the complement: TNC is on the minus strand). VCF-style: chr9-115086151-C-G. GRCh37 (hg19) VCF-style: chr9-117848430-C-G.
Other names: short protein forms C527S.
Identifiers: ClinVar variation 1029564 (VCV001029564.1), dbSNP rs746843738, ClinGen allele CA5208778.
Genomic context (GRCh38, chr9:115,086,151, plus strand): 5'-CACTGCCCATTCACACAGCGACCCTGGCCATGGCAGTCATTTGGACAGGAGAGTTCTGCA[C>G]AGTCAGGGCCGGTGAAGCCGTCCTCACAGACGCACTGTCCGTCCACACAGAGGCCCCTGT-3'
Protein context (NP_002151.2, residues 517-537): VCEDGFTGPD[Cys527Ser]AELSCPNDCH